The following is an entry in ClinVar:

ClinVar aggregate classification (germline): Likely pathogenic. Review status: criteria provided, single submitter (1 of 4 stars). 2 submissions from 1 submitter: Likely pathogenic (2). Last evaluated 2022-05-03.

Conditions:
Intellectual developmental disorder, autosomal dominant 66. Also called: MENTAL RETARDATION, AUTOSOMAL DOMINANT 66. Identifiers: MedGen C5677000, MONDO:0030891, OMIM 619910.
Neurodevelopmental disorder. Identifiers: MedGen C1535926, MeSH D065886, MONDO:0700092.

Submissions (2):

Institute of Human Genetics, University of Leipzig Medical Center
Classification: Likely pathogenic for Intellectual developmental disorder, autosomal dominant 66. Last evaluated: 2022-05-03. Review status: criteria provided, single submitter. Criteria: ACMG Guidelines, 2015. Collection method: clinical testing. Allele origin: de novo. Inheritance: Autosomal dominant inheritance. Affected: yes.
Comment: Criteria applied: PS2_MOD, PM1, PS3_SUP, PM2_SUP, PP2, PP3

Institute of Human Genetics, University of Leipzig Medical Center
Classification: Likely pathogenic for Neurodevelopmental disorder. Last evaluated: 2022-04-11. Review status: criteria provided, single submitter. Criteria: ACMG Guidelines, 2015. Collection method: clinical testing. Allele origin: de novo. Affected: yes.
Comment: This variant was identified as de novo (maternity and paternity confirmed)._x000D_ Criteria applied: PS2_MOD, PS3_SUP, PM1_MOD, PM2_SUP, PP2, PP3

Literature cited by the submitters: PubMed 35358416.

NM_001366521.1(ATP2B1):c.1376A>G (p.His459Arg)

Gene: ATP2B1 (ATPase plasma membrane Ca2+ transporting 1; minus strand). Cytogenetic location: 12q21.33.
Variant type: single nucleotide variant.
Coding change: c.1376A>G on transcript NM_001366521.1 (MANE Select); coding-DNA position 1376, A replaced by G.
Protein change: p.His459Arg; replaces histidine 459 with arginine.
Molecular consequence: missense variant.
Genome position (GRCh38, 1-based): chr12:89,621,760, T>C on the plus strand (A>G on the coding strand, the complement: ATP2B1 is on the minus strand). VCF-style: chr12-89621760-T-C. GRCh37 (hg19) VCF-style: chr12-90015537-T-C.
Other names: c.1376A>G, p.His459Arg (NM_001001323.2, NM_001366520.1, NM_001366522.1 and 8 more transcripts); c.1178A>G, p.His393Arg (NM_001366530.1); c.815A>G, p.His272Arg (NM_001366531.1, NM_001366532.1); short protein forms H272R, H393R, H459R.
Identifiers: ClinVar variation 982810 (VCV000982810.4), dbSNP rs1879993052, ClinGen allele CA386125688.
Genomic context (GRCh38, chr12:89,621,760, plus strand): 5'-GTTCCTGTTTTATCTGAACAAATAGCTGTAGCATTTCCCATGGTTTCACAAGCATCCAGA[T>C]GCCTTACTAAGTTATTATCTTTCATCATTTTCTACAGTGACCAAAAAAAAAAAACTAGTT-3'
Protein context (NP_001353450.1, residues 449-469): KMMKDNNLVR[His459Arg]LDACETMGNA